The following is an entry in ClinVar:

ClinVar aggregate classification (germline): Uncertain significance. Review status: criteria provided, multiple submitters, no conflicts (2 of 4 stars). 2 submissions from 2 submitters: Uncertain significance (2). Last evaluated 2025-09-15.

Allele frequency attached by ClinVar (database versions not stated): TOPMed 0.00001; gnomAD 0.00003; ExAC 0.00005.
gnomAD v4.1: 44 of 1,613,972 alleles (0.0027%); highest among the groups gnomAD compares: Non-Finnish European, 0.0036%; no homozygotes.

Submissions (2):

Labcorp Genetics (formerly Invitae), Labcorp
Classification: Uncertain significance. Last evaluated: 2025-09-15. Review status: criteria provided, single submitter. Criteria: Invitae Variant Classification Sherloc (09022015). Collection method: clinical testing. Allele origin: germline.
Comment: This sequence change replaces asparagine, which is neutral and polar, with threonine, which is neutral and polar, at codon 789 of the BACH2 protein (p.Asn789Thr). This variant is present in population databases (rs754299207, gnomAD 0.006%). This variant has not been reported in the literature in individuals affected with BACH2-related conditions. ClinVar contains an entry for this variant (Variation ID: 2195373). Invitae Evidence Modeling of protein sequence and biophysical properties (such as structural, functional, and spatial information, amino acid conservation, physicochemical variation, residue mobility, and thermodynamic stability) indicates that this missense variant is not expected to disrupt BACH2 protein function with a negative predictive value of 80%. In summary, the available evidence is currently insufficient to determine the role of this variant in disease. Therefore, it has been classified as a Variant of Uncertain Significance.

Ambry Genetics
Classification: Uncertain significance. Last evaluated: 2021-08-13. Review status: criteria provided, single submitter. Criteria: Ambry Variant Classification Scheme 2023. Collection method: clinical testing. Allele origin: germline.

NM_021813.4(BACH2):c.2366A>C (p.Asn789Thr)

Gene: BACH2 (BACH transcriptional regulator 2; minus strand). Cytogenetic location: 6q15.
Variant type: single nucleotide variant.
Coding change: c.2366A>C on transcript NM_021813.4 (MANE Select); coding-DNA position 2366, A replaced by C.
Protein change: p.Asn789Thr; replaces asparagine 789 with threonine.
Molecular consequence: missense variant.
Genome position (GRCh38, 1-based): chr6:89,932,568, T>G on the plus strand (A>C on the coding strand, the complement: BACH2 is on the minus strand). VCF-style: chr6-89932568-T-G. GRCh37 (hg19) VCF-style: chr6-90642287-T-G.
Other names: c.2366A>C, p.Asn789Thr (NM_001170794.2); c.2366A>C (NM_021813.2); short protein forms N789T.
Identifiers: ClinVar variation 2195373 (VCV002195373.5), dbSNP rs754299207, ClinGen allele CA3927797.